The following is an entry in ClinVar:

ClinVar aggregate classification (germline): Uncertain significance (1 of 4 stars; one submission).

Conditions:
Charcot-Marie-Tooth disease type 2. Also called: Charcot-Marie-Tooth type 2. Identifiers: Orphanet 64746, MedGen C0270914, MONDO:0018993.

Submission:

Labcorp Genetics (formerly Invitae), Labcorp
Classification: Uncertain significance for Charcot-Marie-Tooth disease type 2. Last evaluated: 2022-10-24. Review status: criteria provided, single submitter. Criteria: Invitae Variant Classification Sherloc (09022015). Collection method: clinical testing. Allele origin: germline.
Comment: This variant has not been reported in the literature in individuals affected with KIF1B-related conditions. This variant is not present in population databases (gnomAD no frequency). This variant occurs in a non-coding region of the KIF1B gene. It does not change the encoded amino acid sequence of the KIF1B protein. ClinVar contains an entry for this variant (Variation ID: 1485674). In summary, the available evidence is currently insufficient to determine the role of this variant in disease. Therefore, it has been classified as a Variant of Uncertain Significance. Algorithms developed to predict the effect of sequence changes on RNA splicing suggest that this variant may create or strengthen a splice site. Experimental studies and prediction algorithms are not available or were not evaluated, and the functional significance of this variant is currently unknown.

NM_001365951.3(KIF1B):c.*1_*4dup (p.Ter1817=)

Gene: KIF1B (kinesin family member 1B; plus strand). Cytogenetic location: 1p36.22.
Variant type: Duplication.
Coding change: c.*1_*4dup on transcript NM_001365951.3 (MANE Select); 1 bases downstream of the stop codon through 4 bases downstream of the stop codon, 4 bases duplicated (GTGA; older notation c.*1_*4dupGTGA).
Protein change: p.Ter1817=.
Molecular consequence: no sequence alteration.
Genome position (GRCh38, 1-based): chr1:10,376,588-10,376,591, GTGA duplicated; duplicating any 4 consecutive bases within chr1:10,376,587-10,376,591 gives the same sequence; the c. name uses the placement nearest the transcript's 3' end. VCF-style (leftmost placement, unchanged base first): chr1-10376586-A-AAGTG. GRCh37 (hg19) VCF-style: chr1-10436644-A-AAGTG.
Other names: c.*1_*4dup, p.Ter1817= (NM_001365952.1); c.*1_*4dup, p.Ter1771= (NM_015074.3).
Identifiers: ClinVar variation 1485674 (VCV001485674.6), dbSNP rs2102365849, ClinGen allele CA2573130683.